The following is an entry in ClinVar:

NM_001037.5(SCN1B):c.73G>A (p.Asp25Asn)

Gene: SCN1B (sodium voltage-gated channel beta subunit 1; plus strand). Cytogenetic location: 19q13.11.
Variant type: single nucleotide variant.
Coding change: c.73G>A on transcript NM_001037.5 (MANE Select); coding-DNA position 73, G replaced by A.
Protein change: p.Asp25Asn; replaces aspartic acid 25 with asparagine.
Molecular consequence: missense variant. On other transcripts: 5 prime UTR variant (1).
Genome position (GRCh38, 1-based): chr19:35,032,560, G>A. VCF-style: chr19-35032560-G-A. GRCh37 (hg19) VCF-style: chr19-35523464-G-A.
Other names: p.D25N:GAC>AAC; c.-27G>A (NM_001321605.2); c.73G>A, p.Asp25Asn (NM_199037.5); short protein forms D25N.
Identifiers: ClinVar variation 190879 (VCV000190879.10), dbSNP rs786205837, ClinGen allele CA302190.
Genomic context (GRCh38, chr19:35,032,560, plus strand): 5'-GCCTGACCTGAGCCTGCTGTCCCCACAGTGTCCTCAGCCTGCGGGGGCTGCGTGGAGGTG[G>A]ACTCGGAGACCGAGGCCGTGTATGGGATGACCTTCAAAATTCTTTGCATCTCCTGCAAGC-3'
Protein context (NP_001028.1, residues 15-35): SSACGGCVEV[Asp25Asn]SETEAVYGMT

ClinVar aggregate classification (germline): Conflicting classifications of pathogenicity. Review status: criteria provided, conflicting classifications (1 of 4 stars). 3 submissions from 3 submitters: Pathogenic (1); Uncertain significance (2). Last evaluated 2025-12-22.

Conditions:
Cardiovascular phenotype. Identifiers: MedGen CN230736.
Brugada syndrome 5 (BRGDA5). Identifiers: Orphanet 130, Orphanet 871, MedGen C2748541, MONDO:0013015, OMIM 612838.

Allele frequency attached by ClinVar (database versions not stated): gnomAD 0.00001; TOPMed 0.00001.
gnomAD v4.1: 6 of 1,613,906 alleles (0.00037%); highest among the groups gnomAD compares: Non-Finnish European, 0.00051%; no homozygotes.

Submissions (3):

Ambry Genetics
Classification: Uncertain significance for Cardiovascular phenotype. Last evaluated: 2025-12-22. Review status: criteria provided, single submitter. Criteria: Ambry Variant Classification Scheme 2023. Collection method: clinical testing. Allele origin: germline.
Comment: The alteration results in an amino acid change: The c.73G>A (p.D25N) alteration is located in coding exon 2 of the SCN1B gene. This alteration results from a G to A substitution at nucleotide position 73, causing the aspartic acid (D) at amino acid position 25 to be replaced by an asparagine (N). This allele was reported in one heterozygous individual in population-based cohorts in the Genome Aggregation Database (gnomAD). This variant was reported in individual(s) with features consistent with SCN1B-related epilepsy; in at least one individual, it was determined to be de novo (Orrico, 2009; Lindy, 2018; Ambry internal data). This amino acid position is highly conserved in available vertebrate species. In an assay testing SCN1B function, this variant showed a functionally abnormal result (Baroni, 2018). The in silico prediction for this alteration is inconclusive. Based on insufficient or conflicting evidence, the clinical significance of this alteration remains unclear.

Labcorp Genetics (formerly Invitae), Labcorp
Classification: Uncertain significance for Brugada syndrome 5. Last evaluated: 2022-04-19. Review status: criteria provided, single submitter. Criteria: Invitae Variant Classification Sherloc (09022015). Collection method: clinical testing. Allele origin: germline.
Comment: In summary, the available evidence is currently insufficient to determine the role of this variant in disease. Therefore, it has been classified as a Variant of Uncertain Significance. Experimental studies have shown that this missense change affects SCN1B function (PMID: 29992740). Algorithms developed to predict the effect of missense changes on protein structure and function are either unavailable or do not agree on the potential impact of this missense change (SIFT: "Deleterious"; PolyPhen-2: "Probably Damaging"; Align-GVGD: "Class C15"). ClinVar contains an entry for this variant (Variation ID: 190879). This missense change has been observed in individual(s) with SCN1B-related conditions (PMID: 19522081). This variant is present in population databases (rs786205837, gnomAD 0.01%). This sequence change replaces aspartic acid, which is acidic and polar, with asparagine, which is neutral and polar, at codon 25 of the SCN1B protein (p.Asp25Asn).

GeneDx
Classification: Pathogenic. Last evaluated: 2012-02-17. Review status: criteria provided, single submitter. Criteria: GeneDx Variant Classification (06012015). Collection method: clinical testing. Allele origin: germline. Affected: yes.
Comment: p.Asp25Asn (GAC>AAC): c.73 G>A in the SCN1B gene. The Asp25Asn missense mutation in the SCN1B gene was previously reported as a de novo mutation in a patient who presented with a partial epileptic crisis (Orrico et al., 2009), and the NHLBI ESP Exome Variant Project did not identify Asp25Asn in approximately 5000 individuals of European or African American ethnicity, indicating that it is not a common benign variant in these populations. Asp25Asn results in a non-conservative amino acid substitution, as a negatively charged Aspartic acid residue is replaced by an uncharged Asparagine residue. It alters a highly conserved position in the N-terminal region of the voltage-gated sodium channel protein Navß1, and a mutation at a neighboring codon (Leu28Ile) has been published in association with epilepsy (Klassen et al., 2011). The variant is found in EPILEPSY panel(s).

Literature cited by the submitters: PubMed 9461582 (cited by Ambry Genetics); PubMed 9697698 (cited by Ambry Genetics); PubMed 12011299 (cited by Ambry Genetics); PubMed 19522081 (cited by Ambry Genetics and Labcorp Genetics (formerly Invitae), Labcorp); PubMed 29655203 (cited by Ambry Genetics); PubMed 29992740 (cited by Ambry Genetics and Labcorp Genetics (formerly Invitae), Labcorp).